The following is an entry in ClinVar:

NM_000551.4(VHL):c.302T>G (p.Leu101Arg)

Gene: VHL (von Hippel-Lindau tumor suppressor; plus strand). Cytogenetic location: 3p25.3.
Variant type: single nucleotide variant.
Coding change: c.302T>G on transcript NM_000551.4 (MANE Select); coding-DNA position 302, T replaced by G.
Protein change: p.Leu101Arg; replaces leucine 101 with arginine.
Molecular consequence: missense variant.
Genome position (GRCh38, 1-based): chr3:10,142,149, T>G. VCF-style: chr3-10142149-T-G. GRCh37 (hg19) VCF-style: chr3-10183833-T-G.
Other names: c.302T>G, p.Leu101Arg (NM_001354723.2, NM_198156.3); short protein forms L101R.
Identifiers: ClinVar variation 1799028 (VCV001799028.3), dbSNP rs1553619456, ClinGen allele CA351751004.
Genomic context (GRCh38, chr3:10,142,149, plus strand): 5'-CGCGCGTCGTGCTGCCCGTATGGCTCAACTTCGACGGCGAGCCGCAGCCCTACCCAACGC[T>G]GCCGCCTGGCACGGGCCGCCGCATCCACAGCTACCGAGGTACGGGCCCGGCGCTTAGGCC-3'
Protein context (NP_000542.1, residues 91-111): FDGEPQPYPT[Leu101Arg]PPGTGRRIHS

ClinVar aggregate classification (germline): Likely pathogenic. Review status: criteria provided, multiple submitters, no conflicts (2 of 4 stars). 2 submissions from 2 submitters: Likely pathogenic (2). Last evaluated 2023-10-19.

Conditions:
Hereditary cancer-predisposing syndrome. Also called: Neoplastic Syndromes, Hereditary; Tumor predisposition; Hereditary neoplastic syndrome; Hereditary Cancer Syndrome. Identifiers: Orphanet 140162, MedGen C0027672, MeSH D009386, MONDO:0015356.
Von Hippel-Lindau syndrome (VHLS). Also called: Von Hippel-Lindau; VHL syndrome; von Hippel–Lindau syndrome. Identifiers: Orphanet 892, MedGen C0019562, MONDO:0008667, OMIM 193300. Disease mechanism: loss of function.

Submissions (2):

Myriad Genetics, Inc.
Classification: Likely pathogenic for Von Hippel-Lindau syndrome. Last evaluated: 2023-10-19. Review status: criteria provided, single submitter. Criteria: Myriad Autosomal Dominant, Autosomal Recessive and X-Linked Classification Criteria (2023). Collection method: clinical testing. Allele origin: unknown.
Comment: This variant is considered likely pathogenic. This variant has been reported in multiple individuals with clinical features of gene-specific disease [PMID: 24112165, 25078357, 12624160]. This variant is expected to disrupt protein structure [Myriad internal data].

Ambry Genetics
Classification: Likely pathogenic for Hereditary cancer-predisposing syndrome. Last evaluated: 2015-04-09. Review status: criteria provided, single submitter. Criteria: Ambry Variant Classification Scheme 2023. Collection method: clinical testing. Allele origin: germline.
Comment: The p.L101R variant (also known as c.302T>G and 515T>G), located in coding exon 1 of the VHL gene, results from a T to G substitution at nucleotide position 302. The leucine at codon 101 is replaced by arginine, an amino acid with dissimilar properties. This variant has been identified in multiple VHL probands with either VHL type 1 or VHL, type unspecified (Zbar, B et al. Hum Mutat. 1996;8(4):348-57; Rocha, JC et al. J Med Genet. 2003 Mar;40(3):e31; Kim, HJ et al. Laryngoscope. 2013 Feb;123(2):477-83). By estimating the change in free energy between the wild-type and mutant VHL protein using an in silico model, Gao et al. predicted that this missense alteration may lead to a reduced level of protein stability. This variant was not reported in population based cohorts in the following databases: Database of Single Nucleotide Polymorphisms (dbSNP), NHLBI Exome Sequencing Project (ESP), and 1000 Genomes Project. In the ESP, this variant was not observed in 5126 samples (10252 alleles) with coverage at this position. To date, this alteration has been detected with an allele frequency of approximately 0.02% (greater than 4,300 alleles tested) in our clinical cohort. This amino acid position is well conserved in available vertebrate species. In addition, this alteration is predicted to be possibly damaging and deleterious by PolyPhen and SIFT in silico analyses, respectively. Based on the majority of available evidence to date, this variant is likely to be pathogenic.

Literature cited by the submitters: PubMed 24112165 (cited by Myriad Genetics, Inc.); PubMed 25078357 (cited by Myriad Genetics, Inc.); PubMed 12624160 (cited by Myriad Genetics, Inc.).